The following is an entry in ClinVar:

ClinVar aggregate classification (germline): Conflicting classifications of pathogenicity. Review status: criteria provided, conflicting classifications (1 of 4 stars). 2 submissions from 2 submitters: Uncertain significance (1); Likely benign (1). Last evaluated 2024-09-11.

Conditions:
Inborn genetic diseases. Identifiers: MedGen C0950123, MeSH D030342.
Multiple sulfatase deficiency (MSD). Also called: Mucosulfatidosis; Multiple Sulfatase Deficiency Disease; Sulfatidosis, Juvenile, Austin Type. Identifiers: Orphanet 585, MedGen C0268263, MONDO:0010088, OMIM 272200.

Allele frequency attached by ClinVar (database versions not stated): gnomAD exomes below 0.00001; TOPMed below 0.00001; gnomAD 0.00001.
gnomAD v4.1: 3 of 1,613,892 alleles (0.00019%); highest among the groups gnomAD compares: Non-Finnish European, 0.000085%; no homozygotes.

Submissions (2):

Ambry Genetics
Classification: Likely benign for Inborn genetic diseases. Last evaluated: 2024-09-11. Review status: criteria provided, single submitter. Criteria: Ambry Variant Classification Scheme 2023. Collection method: clinical testing. Allele origin: germline.

Labcorp Genetics (formerly Invitae), Labcorp
Classification: Uncertain significance for Multiple sulfatase deficiency. Last evaluated: 2022-08-13. Review status: criteria provided, single submitter. Criteria: Invitae Variant Classification Sherloc (09022015). Collection method: clinical testing. Allele origin: germline.
Comment: This sequence change replaces valine, which is neutral and non-polar, with alanine, which is neutral and non-polar, at codon 312 of the SUMF1 protein (p.Val312Ala). This variant is not present in population databases (gnomAD no frequency). This variant has not been reported in the literature in individuals affected with SUMF1-related conditions. ClinVar contains an entry for this variant (Variation ID: 1450987). Algorithms developed to predict the effect of missense changes on protein structure and function output the following: SIFT: "Tolerated"; PolyPhen-2: "Benign"; Align-GVGD: "Class C0". The alanine amino acid residue is found in multiple mammalian species, which suggests that this missense change does not adversely affect protein function. In summary, the available evidence is currently insufficient to determine the role of this variant in disease. Therefore, it has been classified as a Variant of Uncertain Significance.

NM_182760.4(SUMF1):c.935T>C (p.Val312Ala)

Gene: SUMF1 (sulfatase modifying factor 1; minus strand). Cytogenetic location: 3p26.1.
Variant type: single nucleotide variant.
Coding change: c.935T>C on transcript NM_182760.4 (MANE Select); coding-DNA position 935, T replaced by C.
Protein change: p.Val312Ala; replaces valine 312 with alanine.
Molecular consequence: missense variant.
Genome position (GRCh38, 1-based): chr3:4,410,884, A>G on the plus strand (T>C on the coding strand, the complement: SUMF1 is on the minus strand). VCF-style: chr3-4410884-A-G. GRCh37 (hg19) VCF-style: chr3-4452568-A-G.
Other names: c.935T>C (NM_182760.3); c.860T>C, p.Val287Ala (NM_001164674.2); c.935T>C, p.Val312Ala (NM_001164675.2); short protein forms V287A, V312A.
Identifiers: ClinVar variation 1450987 (VCV001450987.6), dbSNP rs1701517964, ClinGen allele CA351631168.
Genomic context (GRCh38, chr3:4,410,884, plus strand): 5'-TGCCACCATTCCAAGACACATGCTCTGTGAATAATACTCACTGGGTTAAGCGTTTCTTCA[A>G]CAGAATGATGAACAGTCCACCAGTCTGAAGTCCATTCCCATGCGTTCCCCACTATGTTGT-3'
Protein context (NP_877437.2, residues 302-322): TSDWWTVHHS[Val312Ala]EETLNPKGPP